The following is an entry in ClinVar:

ClinVar aggregate classification (germline): Uncertain significance (1 of 4 stars; one submission).

Conditions:
Primary ciliary dyskinesia. Also called: Ciliary dyskinesia. Identifiers: Orphanet 244, MedGen C0008780, MONDO:0016575, HP:0012265.

Allele frequency attached by ClinVar (database versions not stated): TOPMed 0.00001; ESP Exome Variant Server 0.00008; 1000 Genomes Project 30x 0.00016; 1000 Genomes Project 0.00020.
gnomAD v4.1: 62 of 1,613,818 alleles (0.0038%); highest among the groups gnomAD compares: South Asian, 0.06%; no homozygotes.

Submission:

Labcorp Genetics (formerly Invitae), Labcorp
Classification: Uncertain significance for Primary ciliary dyskinesia. Last evaluated: 2021-09-02. Review status: criteria provided, single submitter. Criteria: Invitae Variant Classification Sherloc (09022015). Collection method: clinical testing. Allele origin: germline.
Comment: This sequence change replaces phenylalanine with leucine at codon 1121 of the CCDC40 protein (p.Phe1121Leu). The phenylalanine residue is moderately conserved and there is a small physicochemical difference between phenylalanine and leucine. This variant is present in population databases (rs367605498, ExAC 0.04%). This variant has not been reported in the literature in individuals affected with CCDC40-related conditions. Algorithms developed to predict the effect of missense changes on protein structure and function (SIFT, PolyPhen-2, Align-GVGD) all suggest that this variant is likely to be tolerated. In summary, the available evidence is currently insufficient to determine the role of this variant in disease. Therefore, it has been classified as a Variant of Uncertain Significance.

NM_017950.4(CCDC40):c.3363C>A (p.Phe1121Leu)

Gene: CCDC40 (coiled-coil domain 40 molecular ruler complex subunit; plus strand). Cytogenetic location: 17q25.3.
Variant type: single nucleotide variant.
Coding change: c.3363C>A on transcript NM_017950.4 (MANE Select); coding-DNA position 3363, C replaced by A.
Protein change: p.Phe1121Leu; replaces phenylalanine 1121 with leucine.
Molecular consequence: missense variant.
Genome position (GRCh38, 1-based): chr17:80,099,709, C>A. VCF-style: chr17-80099709-C-A. GRCh37 (hg19) VCF-style: chr17-78073508-C-A.
Other names: short protein forms F1121L.
Identifiers: ClinVar variation 662212 (VCV000662212.6), dbSNP rs367605498, ClinGen allele CA8814715.